The following is an entry in ClinVar:

ClinVar aggregate classification (germline): Uncertain significance (1 of 4 stars; one submission).

Conditions:
Hereditary cancer-predisposing syndrome. Also called: Neoplastic Syndromes, Hereditary; Hereditary Cancer Syndrome; Hereditary neoplastic syndrome; Tumor predisposition. Identifiers: Orphanet 140162, MedGen C0027672, MeSH D009386, MONDO:0015356.

Submission:

Ambry Genetics
Classification: Uncertain significance for Hereditary cancer-predisposing syndrome. Last evaluated: 2026-05-27. Review status: criteria provided, single submitter. Criteria: Ambry Variant Classification Scheme 2023. Collection method: clinical testing. Allele origin: germline.
Comment: The p.E389Q variant (also known as c.1165G>C), located in coding exon 7 of the FLCN gene, results from a G to C substitution at nucleotide position 1165. The glutamic acid at codon 389 is replaced by glutamine, an amino acid with highly similar properties. This amino acid position is conserved. In addition, this alteration is predicted to be tolerated by in silico analysis. Based on the available evidence, the clinical significance of this variant remains unclear.

NM_144997.7(FLCN):c.1165G>C (p.Glu389Gln)

Gene: FLCN (folliculin; minus strand). Cytogenetic location: 17p11.2.
Variant type: single nucleotide variant.
Coding change: c.1165G>C on transcript NM_144997.7 (MANE Select); coding-DNA position 1165, G replaced by C.
Protein change: p.Glu389Gln; replaces glutamic acid 389 with glutamine.
Molecular consequence: missense variant.
Genome position (GRCh38, 1-based): chr17:17,217,080, C>G on the plus strand (G>C on the coding strand, the complement: FLCN is on the minus strand). VCF-style: chr17-17217080-C-G. GRCh37 (hg19) VCF-style: chr17-17120394-C-G.
Other names: c.1219G>C, p.Glu407Gln (NM_001353229.2); c.1165G>C, p.Glu389Gln (NM_001353230.2, NM_001353231.2); short protein forms E389Q, E407Q.
Identifiers: ClinVar variation 4871364 (VCV004871364.1).
Genomic context (GRCh38, chr17:17,217,080, plus strand): 5'-CAGGCCAATACTGCCCTGCGCCGCACACCTAAGGAAAAGATGTTCTCACCCGAAGTACTT[C>G]AAAAGCTGACTGGACGAGGTCCACGTCTCTGCTTTTCCAGATCACCTGGTTCCCCATGAG-3'
Protein context (NP_659434.2, residues 379-399): RDVDLVQSAF[Glu389Gln]VLRTMLPVGC